The following is an entry in ClinVar:

NM_000301.5(PLG):c.1048C>T (p.Pro350Ser)

Gene: PLG (plasminogen; plus strand). Cytogenetic location: 6q26.
Variant type: single nucleotide variant.
Coding change: c.1048C>T on transcript NM_000301.5 (MANE Select); coding-DNA position 1048, C replaced by T.
Protein change: p.Pro350Ser; replaces proline 350 with serine.
Molecular consequence: missense variant.
Genome position (GRCh38, 1-based): chr6:160,718,790, C>T. VCF-style: chr6-160718790-C-T. GRCh37 (hg19) VCF-style: chr6-161139822-C-T.
Other names: short protein forms P350S.
Identifiers: ClinVar variation 2969244 (VCV002969244.3), dbSNP rs763543916, ClinGen allele CA4087653.

ClinVar aggregate classification (germline): Uncertain significance (1 of 4 stars; one submission).

Allele frequency attached by ClinVar (database versions not stated): ExAC 0.00001; TOPMed 0.00003; gnomAD 0.00005; gnomAD exomes 0.00005.
gnomAD v4.1: 91 of 1,613,570 alleles (0.0056%); highest among the groups gnomAD compares: Non-Finnish European, 0.0068%; no homozygotes.

Submission:

Labcorp Genetics (formerly Invitae), Labcorp
Classification: Uncertain significance. Last evaluated: 2024-10-03. Review status: criteria provided, single submitter. Criteria: Invitae Variant Classification Sherloc (09022015). Collection method: clinical testing. Allele origin: germline.
Comment: This sequence change replaces proline, which is neutral and non-polar, with serine, which is neutral and polar, at codon 350 of the PLG protein (p.Pro350Ser). This variant is present in population databases (rs763543916, gnomAD 0.002%). This variant has not been reported in the literature in individuals affected with PLG-related conditions. Invitae Evidence Modeling of protein sequence and biophysical properties (such as structural, functional, and spatial information, amino acid conservation, physicochemical variation, residue mobility, and thermodynamic stability) indicates that this missense variant is not expected to disrupt PLG protein function with a negative predictive value of 80%. In summary, the available evidence is currently insufficient to determine the role of this variant in disease. Therefore, it has been classified as a Variant of Uncertain Significance.